The following is an entry in ClinVar:

ClinVar aggregate classification (germline): Uncertain significance (1 of 4 stars; one submission).

Conditions:
Hereditary hyperferritinemia with congenital cataracts. Also called: Hereditary hyperferritinemia cataract syndrome; Bonneau-Beaumont syndrome; HYPERFERRITINEMIA WITH OR WITHOUT CATARACT. Identifiers: Orphanet 163, MedGen C1833213, MONDO:0010952, OMIM 600886.
Neuroferritinopathy (NBIA3). Also called: BASAL GANGLIA DISEASE, ADULT-ONSET; NEURODEGENERATION WITH BRAIN IRON ACCUMULATION 3. Identifiers: Orphanet 157846, MedGen C1853578, MONDO:0011638, OMIM 606159.

Allele frequency attached by ClinVar (database versions not stated): gnomAD 0.00001.
gnomAD v4.1: 4 of 628,526 alleles (0.00064%); highest among the groups gnomAD compares: Non-Finnish European, 0.0012%; no homozygotes.

Submission:

Labcorp Genetics (formerly Invitae), Labcorp
Classification: Uncertain significance for Neuroferritinopathy; Hereditary hyperferritinemia with congenital cataracts. Last evaluated: 2024-01-16. Review status: criteria provided, single submitter. Criteria: Invitae Variant Classification Sherloc (09022015). Collection method: clinical testing. Allele origin: germline.
Comment: This variant occurs in a non-coding region of the FTL gene. It does not change the encoded amino acid sequence of the FTL protein. This variant is present in population databases (no rsID available, gnomAD 0.007%). This variant has not been reported in the literature in individuals affected with FTL-related conditions. In summary, the available evidence is currently insufficient to determine the role of this variant in disease. Therefore, it has been classified as a Variant of Uncertain Significance.

NM_000146.4(FTL):c.-186C>T

Gene: FTL (ferritin light chain; plus strand). Cytogenetic location: 19q13.33.
Variant type: single nucleotide variant.
Coding change: c.-186C>T on transcript NM_000146.4 (MANE Select); 186 bases upstream of the start codon, C replaced by T.
Molecular consequence: 5 prime UTR variant.
Genome position (GRCh38, 1-based): chr19:48,965,322, C>T. VCF-style: chr19-48965322-C-T. GRCh37 (hg19) VCF-style: chr19-49468579-C-T.
Identifiers: ClinVar variation 2922839 (VCV002922839.3), dbSNP rs981348025, ClinGen allele CA309374877.